The following is an entry in ClinVar:

NM_001162383.2(ARHGEF2):c.1741_1742del (p.Leu581fs)

Gene: ARHGEF2 (Rho/Rac guanine nucleotide exchange factor 2; minus strand). Cytogenetic location: 1q22.
Variant type: Deletion.
Coding change: c.1741_1742del on transcript NM_001162383.2 (MANE Select); coding-DNA positions 1741 to 1742, 2 bases deleted (CT; older notation c.1741_1742delCT).
Protein change: p.Leu581fs; shifts the reading frame from leucine 581.
Molecular consequence: frameshift variant.
Genome position (GRCh38, 1-based): chr1:155,954,943-155,954,944, AG deleted on the plus strand (CT on the coding strand, the reverse complement: ARHGEF2 is on the minus strand). VCF-style (leftmost placement, unchanged base first): chr1-155954942-CAG-C. GRCh37 (hg19) VCF-style: chr1-155924733-CAG-C.
Other names: c.1657_1658delCT (NM_004723.4); c.1738_1739del, p.Leu580fs (NM_001162384.2); c.1660_1661del, p.Leu554fs (NM_001350110.2, NM_001350111.2); c.1687_1688del, p.Leu563fs (NM_001350112.2); c.1657_1658del, p.Leu553fs (NM_004723.4); short protein forms L553fs, L554fs, L563fs, L580fs, L581fs.
Identifiers: ClinVar variation 4535559 (VCV004535559.1).

ClinVar aggregate classification (germline): Uncertain significance (1 of 4 stars; one submission).

Submission:

Women's Health and Genetics/Laboratory Corporation of America, LabCorp
Classification: Uncertain significance. Last evaluated: 2025-09-12. Review status: criteria provided, single submitter. Criteria: LabCorp Variant Classification Summary - May 2015. Collection method: clinical testing. Allele origin: germline.
Comment: Variant summary: ARHGEF2 c.1657_1658delCT (p.Leu553AspfsX2) results in a premature termination codon, predicted to cause a truncation of the encoded protein or absence of the protein due to nonsense mediated decay, however current evidence is not sufficient to establish loss of function as a mechanism for disease. The variant was absent in 249532 control chromosomes. The available data on variant occurrences in the general population are insufficient to allow any conclusion about variant significance. To our knowledge, no occurrence of c.1657_1658delCT in individuals affected with ARHGEF2-related conditions and no experimental evidence demonstrating its impact on protein function have been reported. No submitters have cited clinical-significance assessments for this variant to ClinVar. Based on the evidence outlined above, the variant was classified as uncertain significance.